The following is an entry in ClinVar:

NM_003998.4(NFKB1):c.1070AAG[2] (p.Glu359del)

Gene: NFKB1 (nuclear factor kappa B subunit 1; plus strand). Cytogenetic location: 4q24.
Variant type: Microsatellite.
Coding change: c.1070AAG[2] on transcript NM_003998.4 (MANE Select); two copies in a row of the 3-base unit AAG starting at c.1070; the reference has three copies in a row; one copy, 3 bases deleted.
Protein change: p.Glu359del; deletes glutamic acid 359.
Genome position (GRCh38, 1-based): chr4:102,593,434-102,593,436, AAG deleted; deleting any 3 consecutive bases within chr4:102,593,428-102,593,436 gives the same sequence; the position shown is the placement nearest the transcript's 3' end. VCF-style (leftmost placement, unchanged base first): chr4-102593427-AAAG-A. GRCh37 (hg19) VCF-style: chr4-103514584-AAAG-A.
Other names: c.1067AAG[2], p.Glu358del (NM_001165412.2, NM_001319226.2, NM_001382627.1); c.1070AAG[2], p.Glu359del (NM_001382625.1, NM_001382626.1); c.1028AAG[2], p.Glu345del (NM_001382628.1); short protein forms E345del, E358del, E359del.
Identifiers: ClinVar variation 4759746 (VCV004759746.1).

ClinVar aggregate classification (germline): Uncertain significance (1 of 4 stars; one submission).

Submission:

Labcorp Genetics (formerly Invitae), Labcorp
Classification: Uncertain significance. Last evaluated: 2025-04-22. Review status: criteria provided, single submitter. Criteria: Invitae Variant Classification Sherloc (09022015). Collection method: clinical testing. Allele origin: germline.
Comment: This variant, c.1076_1078del, results in the deletion of 1 amino acid(s) of the NFKB1 protein (p.Glu359del), but otherwise preserves the integrity of the reading frame. This variant is present in population databases (rs767592125, gnomAD 0.003%). This variant has not been reported in the literature in individuals affected with NFKB1-related conditions. Experimental studies and prediction algorithms are not available or were not evaluated, and the functional significance of this variant is currently unknown. In summary, the available evidence is currently insufficient to determine the role of this variant in disease. Therefore, it has been classified as a Variant of Uncertain Significance.